The following is an entry in ClinVar:

NM_005751.5(AKAP9):c.4553G>A (p.Ser1518Asn)

Gene: AKAP9 (A-kinase anchoring protein 9; plus strand). Cytogenetic location: 7q21.2.
Variant type: single nucleotide variant.
Coding change: c.4553G>A on transcript NM_005751.5 (MANE Select); coding-DNA position 4553, G replaced by A.
Protein change: p.Ser1518Asn; replaces serine 1518 with asparagine.
Molecular consequence: missense variant.
Genome position (GRCh38, 1-based): chr7:92,038,633, G>A. VCF-style: chr7-92038633-G-A. GRCh37 (hg19) VCF-style: chr7-91667947-G-A.
Other names: c.4553G>A, p.Ser1518Asn (NM_147185.3); short protein forms S1518N.
Identifiers: ClinVar variation 570376 (VCV000570376.8), dbSNP rs761276121, ClinGen allele CA4336589.

ClinVar aggregate classification (germline): Conflicting classifications of pathogenicity. Review status: criteria provided, conflicting classifications (1 of 4 stars). 2 submissions from 2 submitters: Uncertain significance (1); Likely benign (1). Last evaluated 2026-07-21.

Conditions:
Long QT syndrome (LQTS). Identifiers: MedGen C0023976, MeSH D008133, MONDO:0002442. Disease mechanism: loss of function. Inheritance: Various modes of inheritance.
Cardiovascular phenotype. Identifiers: MedGen CN230736.

Allele frequency attached by ClinVar (database versions not stated): gnomAD exomes 0.00001 and 0.00004; TOPMed 0.00001; ExAC 0.00002.
gnomAD v4.1: 12 of 1,613,540 alleles (0.00074%); highest among the groups gnomAD compares: Admixed American, 0.018%; no homozygotes.

Submissions (2):

Ambry Genetics
Classification: Likely benign for Cardiovascular phenotype. Last evaluated: 2026-07-21. Review status: criteria provided, single submitter. Criteria: Ambry Variant Classification Scheme 2023. Collection method: clinical testing. Allele origin: germline.

Labcorp Genetics (formerly Invitae), Labcorp
Classification: Uncertain significance for Long QT syndrome. Last evaluated: 2025-12-14. Review status: criteria provided, single submitter. Criteria: Invitae Variant Classification Sherloc (09022015). Collection method: clinical testing. Allele origin: germline.
Comment: This sequence change replaces serine, which is neutral and polar, with asparagine, which is neutral and polar, at codon 1518 of the AKAP9 protein (p.Ser1518Asn). This variant is present in population databases (rs761276121, gnomAD 0.03%). This variant has not been reported in the literature in individuals affected with AKAP9-related conditions. ClinVar contains an entry for this variant (Variation ID: 570376). An algorithm developed to predict the effect of missense changes on protein structure and function outputs the following: PolyPhen-2: "Benign". The asparagine amino acid residue is found in multiple mammalian species, which suggests that this missense change does not adversely affect protein function. In summary, the available evidence is currently insufficient to determine the role of this variant in disease. Therefore, it has been classified as a Variant of Uncertain Significance.